The following is an entry in ClinVar:

ClinVar aggregate classification (germline): Conflicting classifications of pathogenicity. Review status: criteria provided, conflicting classifications (1 of 4 stars). 2 submissions from 1 submitter: Uncertain significance (1); Likely benign (1). Last evaluated 2018-01-13.

Conditions:
Retinitis pigmentosa (RP). Identifiers: Orphanet 791, MedGen C0035334, MeSH D012174, MONDO:0019200, OMIM 268000. Inheritance: Autosomal dominant, autosomal recessive and X linked inheritance.
Bardet-Biedl syndrome 8 (BBS8). Identifiers: Orphanet 110, MedGen C1859566, MONDO:0014436, OMIM 615985.

Allele frequency attached by ClinVar (database versions not stated): gnomAD exomes 0.00022; gnomAD 0.00242 and 0.00263; TOPMed 0.00266; 1000 Genomes Project 0.00319; 1000 Genomes Project 30x 0.00406.
gnomAD v4.1: 553 of 1,027,596 alleles (0.054%); highest among the groups gnomAD compares: African/African-American, 0.79%; 1 homozygote.

Submissions (2):

Illumina Laboratory Services, Illumina
Classification: Likely benign for Bardet-Biedl syndrome 8. Last evaluated: 2018-01-13. Review status: criteria provided, single submitter. Criteria: ICSL Variant Classification Criteria 13 December 2019. Collection method: clinical testing. Allele origin: germline.
Comment: This variant was observed in the ICSL laboratory as part of a predisposition screen in an ostensibly healthy population. It had not been previously curated by ICSL or reported in the Human Gene Mutation Database (HGMD: prior to June 1st, 2018), and was therefore a candidate for classification through an automated scoring system. Utilizing variant allele frequency, disease prevalence and penetrance estimates, and inheritance mode, an automated score was calculated to assess if this variant is too frequent to cause the disease. Based on the score and internal cut-off values, a variant classified as likely benign is not then subjected to further curation. The score for this variant resulted in a classification of likely benign for this disease.

Illumina Laboratory Services, Illumina
Classification: Uncertain significance for Retinitis pigmentosa. Last evaluated: 2018-01-13. Review status: criteria provided, single submitter. Criteria: ICSL Variant Classification Criteria 13 December 2019. Collection method: clinical testing. Allele origin: germline.

NM_144596.4(TTC8):c.*93G>A

Gene: TTC8 (tetratricopeptide repeat domain 8; plus strand). Cytogenetic location: 14q31.3.
Variant type: single nucleotide variant.
Coding change: c.*93G>A on transcript NM_144596.4 (MANE Select); 93 bases downstream of the stop codon, G replaced by A.
Molecular consequence: 3 prime UTR variant. On other transcripts: non-coding transcript variant (1).
Genome position (GRCh38, 1-based): chr14:88,877,503, G>A. VCF-style: chr14-88877503-G-A. GRCh37 (hg19) VCF-style: chr14-89343847-G-A.
Other names: c.*93G>A (NM_001288781.1, NM_001288782.1, NM_001288783.1 and 4 more transcripts).
Identifiers: ClinVar variation 885017 (VCV000885017.4), dbSNP rs116740320, ClinGen allele CA264576056.